The following is an entry in ClinVar:

ClinVar aggregate classification (germline): Uncertain significance (1 of 4 stars; one submission).

Conditions:
RYR1-related disorder. Also called: RYR1-related condition; RYR1-related disorders. Identifiers: MedGen CN239331.

Submission:

Labcorp Genetics (formerly Invitae), Labcorp
Classification: Uncertain significance for RYR1-related disorder. Last evaluated: 2016-10-29. Review status: criteria provided, single submitter. Criteria: Invitae Variant Classification Sherloc (09022015). Collection method: clinical testing. Allele origin: germline.
Comment: This sequence change replaces glutamine with histidine at codon 3899 of the RYR1 protein (p.Gln3899His). The glutamine residue is moderately conserved and there is a small physicochemical difference between glutamine and histidine. This variant is not present in population databases (ExAC no frequency) and has not been reported in the literature in individuals with a RYR1-related disease. Algorithms developed to predict the effect of missense changes on protein structure and function do not agree on the potential impact of this missense change (SIFT: "Deleterious"; PolyPhen-2: "Benign"; Align-GVGD: "Class C0"). In summary, this variant is a novel missense change with uncertain impact on protein function. Therefore, it has been classified as a Variant of Uncertain Significance.

NM_000540.3(RYR1):c.11697G>T (p.Gln3899His)

Gene: RYR1 (ryanodine receptor 1; plus strand). Cytogenetic location: 19q13.2.
Variant type: single nucleotide variant.
Coding change: c.11697G>T on transcript NM_000540.3 (MANE Select); coding-DNA position 11697, G replaced by T.
Protein change: p.Gln3899His; replaces glutamine 3899 with histidine.
Molecular consequence: missense variant.
Genome position (GRCh38, 1-based): chr19:38,543,354, G>T. VCF-style: chr19-38543354-G-T. GRCh37 (hg19) VCF-style: chr19-39033994-G-T.
Other names: c.11682G>T, p.Gln3894His (NM_001042723.2); short protein forms Q3899H, Q3894H.
Identifiers: ClinVar variation 478163 (VCV000478163.8), dbSNP rs1555794184, ClinGen allele CA405661093.